The following is an entry in ClinVar:

NM_006440.5(TXNRD2):c.524A>G (p.Lys175Arg)

Gene: TXNRD2 (thioredoxin reductase 2; minus strand). Cytogenetic location: 22q11.21.
Variant type: single nucleotide variant.
Coding change: c.524A>G on transcript NM_006440.5 (MANE Select); coding-DNA position 524, A replaced by G.
Protein change: p.Lys175Arg; replaces lysine 175 with arginine.
Molecular consequence: missense variant. On other transcripts: non-coding transcript variant (1).
Genome position (GRCh38, 1-based): chr22:19,915,769, T>C on the plus strand (A>G on the coding strand, the complement: TXNRD2 is on the minus strand). VCF-style: chr22-19915769-T-C. GRCh37 (hg19) VCF-style: chr22-19903292-T-C.
Other names: c.524A>G, p.Lys175Arg (NM_001282512.3); c.521A>G, p.Lys174Arg (NM_001352300.2); c.434A>G, p.Lys145Arg (NM_001352301.2); c.236A>G, p.Lys79Arg (NM_001352302.2); c.428A>G, p.Lys143Arg (NM_001352303.2); short protein forms K174R, K175R, K145R, K143R, K79R.
Identifiers: ClinVar variation 3330405 (VCV003330405.1).

ClinVar aggregate classification (germline): Uncertain significance (1 of 4 stars; one submission).

Conditions:
Cardiovascular phenotype. Identifiers: MedGen CN230736.

Submission:

Ambry Genetics
Classification: Uncertain significance for Cardiovascular phenotype. Last evaluated: 2024-05-05. Review status: criteria provided, single submitter. Criteria: Ambry Variant Classification Scheme 2023. Collection method: clinical testing. Allele origin: germline.
Comment: The p.K175R variant (also known as c.524A>G), located in coding exon 6 of the TXNRD2 gene, results from an A to G substitution at nucleotide position 524. The lysine at codon 175 is replaced by arginine, an amino acid with highly similar properties. This amino acid position is conserved. In addition, this alteration is predicted to be tolerated by in silico analysis. Based on the available evidence, the clinical significance of this variant remains unclear.